The following is an entry in ClinVar:

NM_005909.5(MAP1B):c.3545C>T (p.Pro1182Leu)

Gene: MAP1B (microtubule associated protein 1B; plus strand). Cytogenetic location: 5q13.2.
Variant type: single nucleotide variant.
Coding change: c.3545C>T on transcript NM_005909.5 (MANE Select); coding-DNA position 3545, C replaced by T.
Protein change: p.Pro1182Leu; replaces proline 1182 with leucine.
Molecular consequence: missense variant.
Genome position (GRCh38, 1-based): chr5:72,196,900, C>T. VCF-style: chr5-72196900-C-T. GRCh37 (hg19) VCF-style: chr5-71492727-C-T.
Other names: c.3167C>T, p.Pro1056Leu (NM_001324255.2); short protein forms P1056L, P1182L.
Identifiers: ClinVar variation 2635988 (VCV002635988.1), dbSNP rs779963708, ClinGen allele CA3299003.

ClinVar aggregate classification (germline): Uncertain significance (1 of 4 stars; one submission).

Conditions:
MAP1B-related disorder. Also called: MAP1B-related condition.

Allele frequency attached by ClinVar (database versions not stated): gnomAD 0.00001; ExAC 0.00002; gnomAD exomes 0.00002; TOPMed 0.00002.
gnomAD v4.1: 34 of 1,614,064 alleles (0.0021%); highest among the groups gnomAD compares: Middle Eastern, 0.049%; no homozygotes.

Submission:

PreventionGenetics, part of Exact Sciences
Classification: Uncertain significance for MAP1B-related condition. Last evaluated: 2022-11-28. Review status: criteria provided, single submitter. Criteria: ACMG Guidelines, 2015. Collection method: clinical testing. Allele origin: germline.
Comment: The MAP1B c.3545C>T variant is predicted to result in the amino acid substitution p.Pro1182Leu. To our knowledge, this variant has not been reported in the literature. This variant is reported in 0.0098% of alleles in individuals of South Asian descent in gnomAD. At this time, the clinical significance of this variant is uncertain due to the absence of conclusive functional and genetic evidence.